The following is an entry in ClinVar:

ClinVar aggregate classification (germline): Likely pathogenic. Review status: criteria provided, single submitter (1 of 4 stars). 2 submissions from 2 submitters: Likely pathogenic (1). 1 of the submissions does not count toward it. Last evaluated 2022-11-12.

Conditions:
Peroxisome biogenesis disorder 6A (Zellweger). Also called: Peroxisome biogenesis disorder 6A. Identifiers: Orphanet 912, MedGen C3553947, MONDO:0013936, OMIM 614870.
Peroxisome biogenesis disorder 6B (PBD6B). Identifiers: Orphanet 44, MedGen C3553948, MONDO:0013937, OMIM 614871.
Peroxisome biogenesis disorder, complementation group 7 (CG7). Also called: Peroxisome biogenesis disorder, complementation group B. Identifiers: MedGen C1864399.

Allele frequency attached by ClinVar (database versions not stated): gnomAD exomes below 0.00001; gnomAD 0.00001.
gnomAD v4.1: 4 of 1,613,286 alleles (0.00025%); highest among the groups gnomAD compares: South Asian, 0.0011%; no homozygotes.

Submissions (2):

Labcorp Genetics (formerly Invitae), Labcorp
Classification: Likely pathogenic for Peroxisome biogenesis disorder, complementation group 7. Last evaluated: 2022-11-12. Review status: criteria provided, single submitter. Criteria: Invitae Variant Classification Sherloc (09022015). Collection method: clinical testing. Allele origin: germline.
Comment: In summary, the currently available evidence indicates that the variant is pathogenic, but additional data are needed to prove that conclusively. Therefore, this variant has been classified as Likely Pathogenic. Algorithms developed to predict the effect of missense changes on protein structure and function (SIFT, PolyPhen-2, Align-GVGD) all suggest that this variant is likely to be disruptive. ClinVar contains an entry for this variant (Variation ID: 558445). This variant is also known as Cys276Phe. This missense change has been observed in individual(s) with peroxisomal biogenesis disorder (PMID: 27230853). It has also been observed to segregate with disease in related individuals. This variant is present in population databases (no rsID available, gnomAD 0.007%). This sequence change replaces cysteine, which is neutral and slightly polar, with phenylalanine, which is neutral and non-polar, at codon 296 of the PEX10 protein (p.Cys296Phe).

Counsyl
Classification: Uncertain significance for Peroxisome biogenesis disorder 6A (Zellweger); Peroxisome biogenesis disorder 6B. Last evaluated: 2018-05-22. Review status: no assertion criteria provided. Collection method: clinical testing. Allele origin: unknown. Not counted in ClinVar's aggregate classification.

Literature cited by the submitters: PubMed 27230853 (cited by Labcorp Genetics (formerly Invitae), Labcorp and Counsyl).

NM_002617.4(PEX10):c.827G>T (p.Cys276Phe)

Gene: PEX10 (peroxisomal biogenesis factor 10; minus strand). Cytogenetic location: 1p36.32.
Variant type: single nucleotide variant.
Coding change: c.827G>T on transcript NM_002617.4 (MANE Select); coding-DNA position 827, G replaced by T.
Protein change: p.Cys276Phe; replaces cysteine 276 with phenylalanine.
Molecular consequence: missense variant. On other transcripts: non-coding transcript variant (1).
Genome position (GRCh38, 1-based): chr1:2,406,569, C>A on the plus strand (G>T on the coding strand, the complement: PEX10 is on the minus strand). VCF-style: chr1-2406569-C-A. GRCh37 (hg19) VCF-style: chr1-2338008-C-A.
Other names: c.884G>T, p.Cys295Phe (NM_001374425.1); c.452G>T, p.Cys151Phe (NM_001374426.1); c.395G>T, p.Cys132Phe (NM_001374427.1); c.887G>T, p.Cys296Phe (NM_153818.2); short protein forms C296F, C276F, C132F, C151F, C295F.
Identifiers: ClinVar variation 558445 (VCV000558445.7), dbSNP rs1414973726, ClinGen allele CA337984483.
Genomic context (GRCh38, chr1:2,406,569, plus strand): 5'-CACTCCCAGCAGAACAGGTGGCCGCAGGGCGTGGCTGTTGGGTGCCTGCGCTCCTCCAGG[C>A]ACAGGGTGCACAGGGGGTTTCTGGAAACGGCTCTCTCCTCCAAGGAGGCCCTGGGGAAGG-3'
Protein context (NP_002608.1, residues 266-286): AVSRNPLCTL[Cys276Phe]LEERRHPTAT